The following is an entry in ClinVar:

NM_022773.4(LMF1):c.898-191_898-157del

Gene: LMF1 (lipase maturation factor 1; minus strand). Cytogenetic location: 16p13.3.
Variant type: Deletion.
Coding change: c.898-191_898-157del on transcript NM_022773.4 (MANE Select); 191 bases into the intron before coding-DNA position 898 through 157 bases into the intron before coding-DNA position 898, 35 bases deleted.
Molecular consequence: intron variant.
Genome position (GRCh38, 1-based): chr16:871,498-871,532, 35 bases deleted; deleting any 35 consecutive bases within chr16:871,498-871,540 gives the same sequence; the c. name uses the placement nearest the transcript's 3' end. GRCh37 (hg19): chr16:921,506-921,540.
Other names: c.571-191_571-157del (NM_001352019.2); c.247-191_247-157del (NM_001352017.2, NM_001352021.2); c.499-191_499-157del (NM_001352018.2); c.898-191_898-157del (NM_001352020.1).
Identifiers: ClinVar variation 1695467 (VCV001695467.2), dbSNP rs539466375, ClinGen allele CA276577036.

ClinVar aggregate classification (germline): Likely benign (1 of 4 stars; one submission).

Submission:

GeneDx
Classification: Likely benign. Last evaluated: 2020-11-03. Review status: criteria provided, single submitter. Criteria: GeneDx Variant Classification Process June 2021. Collection method: clinical testing. Allele origin: germline. Affected: yes.
Comment: See Variant Classification Assertion Criteria.